The following is an entry in ClinVar:

NM_006623.4(PHGDH):c.476_477del (p.Glu159fs)

Gene: PHGDH (phosphoglycerate dehydrogenase; plus strand). Cytogenetic location: 1p12.
Variant type: Microsatellite.
Coding change: c.476_477del on transcript NM_006623.4 (MANE Select); coding-DNA positions 476 to 477, 2 bases deleted (AG; older notation c.476_477delAG).
Protein change: p.Glu159fs; shifts the reading frame from glutamic acid 159.
Molecular consequence: frameshift variant.
Genome position (GRCh38, 1-based): chr1:119,727,068-119,727,069, AG deleted; deleting any 2 consecutive bases within chr1:119,727,063-119,727,069 gives the same sequence; the c. name uses the placement nearest the transcript's 3' end. VCF-style (leftmost placement, unchanged base first): chr1-119727062-GGA-G. GRCh37 (hg19) VCF-style: chr1-120269685-GGA-G.
Other names: c.476_477delAG (NM_006623.3); short protein forms E159fs.
Identifiers: ClinVar variation 2967514 (VCV002967514.4), dbSNP rs2464114425, ClinGen allele CA2740090357.

ClinVar aggregate classification (germline): Pathogenic/Likely pathogenic. Review status: criteria provided, multiple submitters, no conflicts (2 of 4 stars). 2 submissions from 2 submitters: Pathogenic (1); Likely pathogenic (1). Last evaluated 2024-06-27.

Conditions:
PHGDH deficiency. Identifiers: Orphanet 79351, MedGen C1866174, MONDO:0011152, OMIM 601815.

Submissions (2):

Natera, Inc.
Classification: Likely pathogenic for Phosphoglycerate dehydrogenase deficiency. Last evaluated: 2024-06-27. Review status: criteria provided, single submitter. Criteria: Natera Variant Classification Schema (03/2026). Collection method: clinical testing. Allele origin: germline.
Comment: The c.476_477delAG variant in PHGDH is a frameshift variant predicted to shift the reading frame beginning at codon 159 and leads to a stop codon 16 codons downstream. This variant is expected to result in nonsense mediated decay, truncation, or a dysfunctional protein product. This variant is rare in the general population with a frequency below the threshold expected for the associated phenotype(s). Given the available evidence, this variant is classified as Likely Pathogenic.

Labcorp Genetics (formerly Invitae), Labcorp
Classification: Pathogenic for PHGDH deficiency. Last evaluated: 2023-09-06. Review status: criteria provided, single submitter. Criteria: Invitae Variant Classification Sherloc (09022015). Collection method: clinical testing. Allele origin: germline.
Comment: For these reasons, this variant has been classified as Pathogenic. This variant has not been reported in the literature in individuals affected with PHGDH-related conditions. This variant is not present in population databases (gnomAD no frequency). This sequence change creates a premature translational stop signal (p.Glu159Glyfs*16) in the PHGDH gene. It is expected to result in an absent or disrupted protein product. Loss-of-function variants in PHGDH are known to be pathogenic (PMID: 14645240, 24836451).

Literature cited by the submitters: PubMed 14645240 (cited by Labcorp Genetics (formerly Invitae), Labcorp); PubMed 24836451 (cited by Labcorp Genetics (formerly Invitae), Labcorp).